The following is an entry in ClinVar:

ClinVar aggregate classification (germline): Uncertain significance (1 of 4 stars; one submission).

Submission:

Labcorp Genetics (formerly Invitae), Labcorp
Classification: Uncertain significance. Last evaluated: 2024-09-13. Review status: criteria provided, single submitter. Criteria: Invitae Variant Classification Sherloc (09022015). Collection method: clinical testing. Allele origin: germline.
Comment: This variant, c.81_86dup, results in the insertion of 2 amino acid(s) of the DEAF1 protein (p.Ala32_Ala33dup), but otherwise preserves the integrity of the reading frame. This variant is not present in population databases (gnomAD no frequency). This variant has not been reported in the literature in individuals affected with DEAF1-related conditions. In summary, the available evidence is currently insufficient to determine the role of this variant in disease. Therefore, it has been classified as a Variant of Uncertain Significance.

NM_021008.4(DEAF1):c.75GGC[6] (p.Ala33_Gly34insAlaAla)

Gene: DEAF1 (DEAF1 transcription factor; minus strand). Cytogenetic location: 11p15.5.
Variant type: Microsatellite.
Coding change: c.75GGC[6] on transcript NM_021008.4 (MANE Select); six copies in a row of the 3-base unit GGC starting at c.75; the reference has four copies in a row; two copies, 6 bases duplicated.
Protein change: p.Ala33_Gly34insAlaAla.
Molecular consequence: inframe insertion. On other transcripts: inframe indel (1), intron variant (1).
Genome position (GRCh38, 1-based): chr11:694,962-694,967, GCCGCC duplicated on the plus strand (GGCGGC on the coding strand, the reverse complement: DEAF1 is on the minus strand); duplicating any 6 consecutive bases within chr11:694,962-694,973 gives the same sequence; the position shown is the placement nearest the transcript's 3' end. VCF-style (leftmost placement, unchanged base first): chr11-694961-G-GGCCGCC. GRCh37 (hg19) VCF-style: chr11-694961-G-GGCCGCC.
Other names: c.75_77GGC[6], p.Ala33_Gly34insAlaAla (NM_001293634.2); c.-437-3375GGC[6] (NM_001367390.1).
Identifiers: ClinVar variation 2760472 (VCV002760472.3), dbSNP rs774959342, ClinGen allele CA934302307.